The following is an entry in ClinVar:

ClinVar aggregate classification (germline): Likely pathogenic (1 of 4 stars; one submission).

Conditions:
Bethlem myopathy 1A. Also called: Bethlem Muscular Dystrophy; Bethlem myopathy 1; MYOPATHY, BENIGN CONGENITAL, WITH CONTRACTURES. Identifiers: Orphanet 610, MedGen CN029274, MONDO:0024530, OMIM 158810.

Allele frequency attached by ClinVar (database versions not stated): gnomAD exomes below 0.00001.
gnomAD v4.1: 3 of 1,608,606 alleles (0.00019%); highest among the groups gnomAD compares: Non-Finnish European, 0.00026%; no homozygotes.

Submission:

Labcorp Genetics (formerly Invitae), Labcorp
Classification: Likely pathogenic for Bethlem myopathy 1A. Last evaluated: 2023-11-10. Review status: criteria provided, single submitter. Criteria: Invitae Variant Classification Sherloc (09022015). Collection method: clinical testing. Allele origin: germline.
Comment: This sequence change affects an acceptor splice site in intron 13 of the COL6A2 gene. It is expected to disrupt RNA splicing. Variants that disrupt the donor or acceptor splice site typically lead to a loss of protein function (PMID: 16199547), and loss-of-function variants in COL6A2 are known to be disease-causing for autosomal recessive COL6A2-related conditions (PMID: 21280092, 20976770). However, certain variants affecting donor or acceptor splice sites in the triple helical domain of COL6A2 are expected to result in in-frame exon skipping and have been reported to cause autosomal dominant COL6A2-related conditions (PMID: 18366090). This variant is not present in population databases (gnomAD no frequency). This variant has not been reported in the literature in individuals affected with COL6A2-related conditions. ClinVar contains an entry for this variant (Variation ID: 646807). Algorithms developed to predict the effect of sequence changes on RNA splicing suggest that this variant may disrupt the consensus splice site. In summary, the currently available evidence indicates that the variant is pathogenic, but additional data are needed to prove that conclusively. Therefore, this variant has been classified as Likely Pathogenic.

Literature cited by the submitters: PubMed 16199547; PubMed 21280092; PubMed 20976770; PubMed 18366090.

NM_001849.4(COL6A2):c.1180-2A>G

Gene: COL6A2 (collagen type VI alpha 2 chain; plus strand). Cytogenetic location: 21q22.3.
Variant type: single nucleotide variant.
Coding change: c.1180-2A>G on transcript NM_001849.4 (MANE Select); the canonical splice acceptor site of the intron before coding-DNA position 1180, A replaced by G.
Molecular consequence: splice acceptor variant.
Genome position (GRCh38, 1-based): chr21:46,119,028, A>G. VCF-style: chr21-46119028-A-G. GRCh37 (hg19) VCF-style: chr21-47538942-A-G.
Other names: c.1180-2A>G (NM_058175.3, NM_058174.3).
Identifiers: ClinVar variation 646807 (VCV000646807.9), dbSNP rs1601232289, ClinGen allele CA410529717.
Genomic context (GRCh38, chr21:46,119,028, plus strand): 5'-AGGCGTGACCATGCCTCAGGGCCCCTGCCTCTGGGTGACTGTGCTGTCCTCTCCTTCTTC[A>G]GGGGTATCAAGGCAACAGTGGAGCCCCAGGAAGTCCTGGTGTGAAAGGAGCCAAGGGCGG-3'